The following is an entry in ClinVar:

ClinVar aggregate classification (germline): Uncertain significance (1 of 4 stars; one submission).

Submission:

Labcorp Genetics (formerly Invitae), Labcorp
Classification: Uncertain significance. Last evaluated: 2026-01-17. Review status: criteria provided, single submitter. Criteria: Invitae Variant Classification Sherloc (09022015). Collection method: clinical testing. Allele origin: germline.
Comment: This sequence change replaces lysine, which is basic and polar, with glutamine, which is neutral and polar, at codon 702 of the PCLO protein (p.Lys702Gln). This variant is not present in population databases (gnomAD no frequency). This variant has not been reported in the literature in individuals affected with PCLO-related conditions. Experimental studies and prediction algorithms are not available or were not evaluated, and the functional significance of this variant is currently unknown. In summary, the available evidence is currently insufficient to determine the role of this variant in disease. Therefore, it has been classified as a Variant of Uncertain Significance.

NM_033026.6(PCLO):c.2104A>C (p.Lys702Gln)

Gene: PCLO (piccolo presynaptic cytomatrix protein; minus strand). Cytogenetic location: 7q21.11.
Variant type: single nucleotide variant.
Coding change: c.2104A>C on transcript NM_033026.6 (MANE Select); coding-DNA position 2104, A replaced by C.
Protein change: p.Lys702Gln; replaces lysine 702 with glutamine.
Molecular consequence: missense variant.
Genome position (GRCh38, 1-based): chr7:83,135,446, T>G on the plus strand (A>C on the coding strand, the complement: PCLO is on the minus strand). VCF-style: chr7-83135446-T-G. GRCh37 (hg19) VCF-style: chr7-82764762-T-G.
Other names: c.2104A>C, p.Lys702Gln (NM_014510.3); short protein forms K702Q.
Identifiers: ClinVar variation 4781561 (VCV004781561.1).
Genomic context (GRCh38, chr7:83,135,446, plus strand): 5'-GCTTGGCCTTGGCTGAAGGAGAGCCATGAAGGGTTGGTTGTTTCACTAGTGGTGGTGGCT[T>G]TTTAGGCTCAGGTGCCTTGGAGAGATCCTGTTTTGGTGCAGCATCCTTCTTTGGGGAAGT-3'
Protein context (NP_149015.2, residues 692-712): QDLSKAPEPK[Lys702Gln]PPPLVKQPTL